The following is an entry in ClinVar:

NM_003978.5(PSTPIP1):c.172G>T (p.Val58Leu)

Gene: PSTPIP1 (proline-serine-threonine phosphatase interacting protein 1; plus strand). Cytogenetic location: 15q24.3.
Variant type: single nucleotide variant.
Coding change: c.172G>T on transcript NM_003978.5 (MANE Select); coding-DNA position 172, G replaced by T.
Protein change: p.Val58Leu; replaces valine 58 with leucine.
Molecular consequence: missense variant. On other transcripts: non-coding transcript variant (1).
Genome position (GRCh38, 1-based): chr15:77,018,491, G>T. VCF-style: chr15-77018491-G-T. GRCh37 (hg19) VCF-style: chr15-77310832-G-T.
Other names: c.172G>T, p.Val58Leu (NM_001321135.2, NM_001411086.1); c.145G>T, p.Val49Leu (NM_001321136.2); c.367G>T, p.Val123Leu (NM_001321137.1); short protein forms V49L, V58L, V123L.
Identifiers: ClinVar variation 2711685 (VCV002711685.3), dbSNP rs1372574257, ClinGen allele CA393518440.

ClinVar aggregate classification (germline): Uncertain significance (1 of 4 stars; one submission).

Conditions:
Pyogenic arthritis-pyoderma gangrenosum-acne syndrome (PAPA). Also called: PAPA SYNDROME; FAMILIAL RECURRENT ARTHRITIS. Identifiers: Orphanet 69126, MedGen C1858361, MONDO:0011462, OMIM 604416.

Allele frequency attached by ClinVar (database versions not stated): gnomAD exomes 0.00002; gnomAD 0.00003; TOPMed 0.00003.
gnomAD v4.1: 25 of 1,583,688 alleles (0.0016%); highest among the groups gnomAD compares: Admixed American, 0.0054%; no homozygotes.

Submission:

Labcorp Genetics (formerly Invitae), Labcorp
Classification: Uncertain significance for Pyogenic arthritis-pyoderma gangrenosum-acne syndrome. Last evaluated: 2026-01-18. Review status: criteria provided, single submitter. Criteria: Invitae Variant Classification Sherloc (09022015). Collection method: clinical testing. Allele origin: germline.
Comment: This sequence change replaces valine, which is neutral and non-polar, with leucine, which is neutral and non-polar, at codon 58 of the PSTPIP1 protein (p.Val58Leu). The frequency data for this variant in the population databases is considered unreliable, as metrics indicate poor data quality at this position in the gnomAD database. This variant has not been reported in the literature in individuals affected with PSTPIP1-related conditions. ClinVar contains an entry for this variant (Variation ID: 2711685). Invitae Evidence Modeling of protein sequence and biophysical properties (such as structural, functional, and spatial information, amino acid conservation, physicochemical variation, residue mobility, and thermodynamic stability) indicates that this missense variant is not expected to disrupt PSTPIP1 protein function with a negative predictive value of 80%. In summary, the available evidence is currently insufficient to determine the role of this variant in disease. Therefore, it has been classified as a Variant of Uncertain Significance.